The following is an entry in ClinVar:

NM_139215.3(TAF15):c.1634G>A (p.Arg545Gln)

Gene: TAF15 (TATA-box binding protein associated factor 15; plus strand). Cytogenetic location: 17q12.
Variant type: single nucleotide variant.
Coding change: c.1634G>A on transcript NM_139215.3 (MANE Select); coding-DNA position 1634, G replaced by A.
Protein change: p.Arg545Gln; replaces arginine 545 with glutamine.
Molecular consequence: missense variant.
Genome position (GRCh38, 1-based): chr17:35,844,933, G>A. VCF-style: chr17-35844933-G-A. GRCh37 (hg19) VCF-style: chr17-34171937-G-A.
Other names: c.1625G>A, p.Arg542Gln (NM_003487.4); c.1634G>A (NM_139215.1); short protein forms R542Q, R545Q.
Identifiers: ClinVar variation 2635776 (VCV002635776.2), dbSNP rs373334865, ClinGen allele CA290041712.

ClinVar aggregate classification (germline): Uncertain significance. Review status: criteria provided, multiple submitters, no conflicts (2 of 4 stars). 2 submissions from 2 submitters: Uncertain significance (2). Last evaluated 2025-04-28.

Conditions:
TAF15-related disorder. Also called: TAF15-related condition.

Allele frequency attached by ClinVar (database versions not stated): gnomAD 0.00001; ExAC 0.00003; ESP Exome Variant Server 0.00008.
gnomAD v4.1: 37 of 1,613,214 alleles (0.0023%); highest among the groups gnomAD compares: East Asian, 0.0045%; no homozygotes.

Submissions (2):

Ambry Genetics
Classification: Uncertain significance. Last evaluated: 2025-04-28. Review status: criteria provided, single submitter. Criteria: Ambry Variant Classification Scheme 2023. Collection method: clinical testing. Allele origin: germline.

PreventionGenetics, part of Exact Sciences
Classification: Uncertain significance for TAF15-related condition. Last evaluated: 2023-04-20. Review status: criteria provided, single submitter. Criteria: ACMG Guidelines, 2015. Collection method: clinical testing. Allele origin: germline.
Comment: The TAF15 c.1634G>A variant is predicted to result in the amino acid substitution p.Arg545Gln. To our knowledge, this variant has not been reported in the literature. This variant is reported in 0.0054% of alleles in individuals of East Asian descent in gnomAD. At this time, the clinical significance of this variant is uncertain due to the absence of conclusive functional and genetic evidence.